The following is an entry in ClinVar:

ClinVar aggregate classification (germline): Likely benign (1 of 4 stars; one submission).

gnomAD v4.1: 396 of 1,613,384 alleles (0.025%); highest among the groups gnomAD compares: Non-Finnish European, 0.03%; 1 homozygote.

Submission:

CeGaT Center for Human Genetics Tuebingen
Classification: Likely benign. Last evaluated: 2026-02-01. Review status: criteria provided, single submitter. Criteria: CeGaT Center For Human Genetics Tuebingen Variant Classification Criteria Version 2. Collection method: clinical testing. Allele origin: germline. Affected: yes. Observed: 2 variant alleles.
Comment: DIP2A: BP4, BP7

NM_015151.4(DIP2A):c.468G>A (p.Pro156=)

Gene: DIP2A (DIP2 acetate--CoA ligase A; plus strand). Cytogenetic location: 21q22.3.
Variant type: single nucleotide variant.
Coding change: c.468G>A on transcript NM_015151.4 (MANE Select); coding-DNA position 468, G replaced by A.
Protein change: p.Pro156=; no amino-acid change (proline 156 retained).
Molecular consequence: synonymous variant. On other transcripts: intron variant (1).
Genome position (GRCh38, 1-based): chr21:46,498,646, G>A. VCF-style: chr21-46498646-G-A. GRCh37 (hg19) VCF-style: chr21-47918559-G-A.
Other names: c.468G>A, p.Pro156= (NM_001146115.2, NM_001146116.2, NM_001353942.2 and 5 more transcripts); c.403+1539G>A (NM_001353944.2).
Identifiers: ClinVar variation 4821001 (VCV004821001.4).